The following is an entry in ClinVar:

NM_001110556.2(FLNA):c.1240_1241delinsTA (p.Gly414Tyr)

Gene: FLNA (filamin A; minus strand). Cytogenetic location: Xq28.
Variant type: Indel.
Coding change: c.1240_1241delinsTA on transcript NM_001110556.2 (MANE Select); coding-DNA positions 1240 to 1241, GG replaced by TA.
Protein change: p.Gly414Tyr; replaces glycine 414 with tyrosine.
Molecular consequence: missense variant.
Genome position (GRCh38, 1-based): chrX:154,366,212-154,366,213, CC replaced by TA on the plus strand (GG replaced by TA on the coding strand, the reverse complement: FLNA is on the minus strand). VCF-style: chrX-154366212-CC-TA. GRCh37 (hg19) VCF-style: chrX-153594580-CC-TA.
Other names: c.1240_1241delinsTA, p.Gly414Tyr (NM_001456.4); short protein forms G414Y.
Identifiers: ClinVar variation 4282145 (VCV004282145.1).

ClinVar aggregate classification (germline): Uncertain significance (1 of 4 stars; one submission).

Submission:

GeneDx
Classification: Uncertain significance. Last evaluated: 2025-04-17. Review status: criteria provided, single submitter. Criteria: GeneDx Variant Classification Process June 2021. Collection method: clinical testing. Allele origin: germline. Affected: yes.
Comment: Not observed at significant frequency in large population cohorts (gnomAD); Has not been previously published as pathogenic or benign to our knowledge; In silico analysis is inconclusive as to whether the variant alters gene splicing. In the absence of RNA/functional studies, the actual effect of this sequence change is unknown.